The following is an entry in ClinVar:

NM_007118.4(TRIO):c.9120G>A (p.Ser3040=)

Gene: TRIO (trio Rho guanine nucleotide exchange factor; plus strand). Cytogenetic location: 5p15.2.
Variant type: single nucleotide variant.
Coding change: c.9120G>A on transcript NM_007118.4 (MANE Select); coding-DNA position 9120, G replaced by A.
Protein change: p.Ser3040=; no amino-acid change (serine 3040 retained).
Molecular consequence: synonymous variant. On other transcripts: non-coding transcript variant (1).
Genome position (GRCh38, 1-based): chr5:14,508,248, G>A. VCF-style: chr5-14508248-G-A. GRCh37 (hg19) VCF-style: chr5-14508357-G-A.
Identifiers: ClinVar variation 4681500 (VCV004681500.5).

ClinVar aggregate classification (germline): Likely benign (1 of 4 stars; one submission).

gnomAD v4.1: 88 of 1,614,072 alleles (0.0055%); highest among the groups gnomAD compares: East Asian, 0.031%; 1 homozygote.

Submission:

CeGaT Center for Human Genetics Tuebingen
Classification: Likely benign. Last evaluated: 2025-12-01. Review status: criteria provided, single submitter. Criteria: CeGaT Center For Human Genetics Tuebingen Variant Classification Criteria Version 2. Collection method: clinical testing. Allele origin: germline. Affected: yes. Observed: 1 variant allele.
Comment: TRIO: BP4, BP7